The following is an entry in ClinVar:

NM_003441.4(ZNF141):c.1217G>T (p.Arg406Leu)

Gene: ZNF141 (zinc finger protein 141; plus strand). Cytogenetic location: 4p16.3.
Variant type: single nucleotide variant.
Coding change: c.1217G>T on transcript NM_003441.4 (MANE Select); coding-DNA position 1217, G replaced by T.
Protein change: p.Arg406Leu; replaces arginine 406 with leucine.
Molecular consequence: missense variant. On other transcripts: intron variant (1).
Genome position (GRCh38, 1-based): chr4:373,654, G>T. VCF-style: chr4-373654-G-T. GRCh37 (hg19) VCF-style: chr4-367443-G-T.
Other names: c.989G>T, p.Arg330Leu (NM_001348277.2); c.570+647G>T (NM_001348278.2); short protein forms R330L, R406L.
Identifiers: ClinVar variation 2344884 (VCV002344884.27), dbSNP rs201015672, ClinGen allele CA2791854.
Genomic context (GRCh38, chr4:373,654, plus strand): 5'-AAAAAATTCATACTGGAGAGAAACCCTACAAATGTGAAGAATGTGGCAAAGCCTTTAGAC[G>T]GTCCACAGATCGGAGTCAACATAAGAAAATTCATAGTGCAGATAAACCCTACAAATGTAA-3'
Protein context (NP_003432.1, residues 396-416): KCEECGKAFR[Arg406Leu]STDRSQHKKI

ClinVar aggregate classification (germline): Conflicting classifications of pathogenicity. Review status: criteria provided, conflicting classifications (1 of 4 stars). 2 submissions from 2 submitters: Uncertain significance (1); Likely benign (1). Last evaluated 2024-11-10.

Allele frequency attached by ClinVar (database versions not stated): ESP Exome Variant Server 0.00015; 1000 Genomes Project 30x 0.00031; TOPMed 0.00047.
gnomAD v4.1: 1,047 of 1,613,862 alleles (0.065%); highest among the groups gnomAD compares: Non-Finnish European, 0.083%; no homozygotes.

Submissions (2):

Ambry Genetics
Classification: Uncertain significance. Last evaluated: 2024-11-10. Review status: criteria provided, single submitter. Criteria: Ambry Variant Classification Scheme 2023. Collection method: clinical testing. Allele origin: germline.

CeGaT Center for Human Genetics Tuebingen
Classification: Likely benign. Last evaluated: 2022-10-01. Review status: criteria provided, single submitter. Criteria: CeGaT Center For Human Genetics Tuebingen Variant Classification Criteria Version 2. Collection method: clinical testing. Allele origin: germline. Affected: yes. Observed: 1 variant allele.
Comment: ZNF141: BP4